The following is an entry in ClinVar:

ClinVar aggregate classification (germline): Uncertain significance (1 of 4 stars; one submission).

gnomAD v4.1: 1 of 1,579,328 alleles (0.000063%); highest among the groups gnomAD compares: Non-Finnish European, 0.000086%; no homozygotes.

Submission:

GeneDx
Classification: Uncertain significance. Last evaluated: 2019-08-19. Review status: criteria provided, single submitter. Criteria: GeneDx Variant Classification Process June 2021. Collection method: clinical testing. Allele origin: germline. Affected: yes.
Comment: Not observed in large population cohorts (Lek et al., 2016); In silico analysis, which includes protein predictors and evolutionary conservation, supports a deleterious effect; Has not been previously published as pathogenic or benign to our knowledge

NM_003978.5(PSTPIP1):c.560C>G (p.Ala187Gly)

Gene: PSTPIP1 (proline-serine-threonine phosphatase interacting protein 1; plus strand). Cytogenetic location: 15q24.3.
Variant type: single nucleotide variant.
Coding change: c.560C>G on transcript NM_003978.5 (MANE Select); coding-DNA position 560, C replaced by G.
Protein change: p.Ala187Gly; replaces alanine 187 with glycine.
Molecular consequence: missense variant. On other transcripts: non-coding transcript variant (1).
Genome position (GRCh38, 1-based): chr15:77,029,572, C>G. VCF-style: chr15-77029572-C-G. GRCh37 (hg19) VCF-style: chr15-77321913-C-G.
Other names: c.560C>G, p.Ala187Gly (NM_001321135.2); c.533C>G, p.Ala178Gly (NM_001321136.2); c.755C>G, p.Ala252Gly (NM_001321137.1); short protein forms A178G, A187G, A252G.
Identifiers: ClinVar variation 1308125 (VCV001308125.2), dbSNP rs2152686807, ClinGen allele CA393520236.
Genomic context (GRCh38, chr15:77,029,572, plus strand): 5'-CCCCTCTGTTTCCTCAGAGTCAGAACAAAGCCAGGCAGTGCAAGGACTCGGCCACCGAGG[C>G]AGGTATGTGGGCCTGGCTGCCCCGTCCGACCAGGGCGGAGGCCTGGGCGGTACTCCCCAC-3'
Protein context (NP_003969.2, residues 177-197): ARQCKDSATE[Ala187Gly]ERVYRQSIAQ